The following is an entry in ClinVar:

NM_001370466.1(NOD2):c.2276T>G (p.Leu759Arg)

Gene: NOD2 (nucleotide binding oligomerization domain containing 2; plus strand). Cytogenetic location: 16q12.1.
Variant type: single nucleotide variant.
Coding change: c.2276T>G on transcript NM_001370466.1 (MANE Select); coding-DNA position 2276, T replaced by G.
Protein change: p.Leu759Arg; replaces leucine 759 with arginine.
Molecular consequence: missense variant. On other transcripts: non-coding transcript variant (1).
Genome position (GRCh38, 1-based): chr16:50,712,268, T>G. VCF-style: chr16-50712268-T-G. GRCh37 (hg19) VCF-style: chr16-50746179-T-G.
Other names: c.2276T>G, p.Leu759Arg (NM_001293557.2); c.2357T>G, p.Leu786Arg (NM_022162.3); short protein forms L759R, L786R.
Identifiers: ClinVar variation 1523540 (VCV001523540.8), dbSNP rs2150814646, ClinGen allele CA395871964.

ClinVar aggregate classification (germline): Uncertain significance (1 of 4 stars; one submission).

Conditions:
Blau syndrome (BLAUS). Also called: GRANULOMATOSIS, FAMILIAL JUVENILE SYSTEMIC; GRANULOMATOSIS, FAMILIAL, BLAU TYPE; GRANULOMATOUS INFLAMMATORY ARTHRITIS, DERMATITIS, AND UVEITIS, FAMILIAL; JABS SYNDROME; ARTHROCUTANEOUVEAL GRANULOMATOSIS. Identifiers: Orphanet 90340, MedGen C5201146, MONDO:0008523, OMIM 186580.
Regional enteritis. Also called: Enteritis, Granulomatous. Identifiers: MedGen C0678202, MeSH D003424.

Submission:

Labcorp Genetics (formerly Invitae), Labcorp
Classification: Uncertain significance for Regional enteritis; Blau syndrome. Last evaluated: 2021-04-06. Review status: criteria provided, single submitter. Criteria: Invitae Variant Classification Sherloc (09022015). Collection method: clinical testing. Allele origin: germline.
Comment: This variant is not present in population databases (ExAC no frequency). In summary, the available evidence is currently insufficient to determine the role of this variant in disease. Therefore, it has been classified as a Variant of Uncertain Significance. Advanced modeling of protein sequence and biophysical properties (such as structural, functional, and spatial information, amino acid conservation, physicochemical variation, residue mobility, and thermodynamic stability) performed at Invitae indicates that this missense variant is not expected to disrupt NOD2 protein function. This variant has not been reported in the literature in individuals with NOD2-related conditions. This sequence change replaces leucine with arginine at codon 786 of the NOD2 protein (p.Leu786Arg). The leucine residue is highly conserved and there is a moderate physicochemical difference between leucine and arginine.